The following is an entry in ClinVar:

ClinVar aggregate classification (germline): Likely benign (1 of 4 stars; one submission).

Conditions:
Retinitis pigmentosa (RP). Identifiers: Orphanet 791, MedGen C0035334, MeSH D012174, MONDO:0019200, OMIM 268000. Inheritance: Autosomal dominant, autosomal recessive and X linked inheritance.

Allele frequency attached by ClinVar (database versions not stated): gnomAD 0.00491 and 0.00546; TOPMed 0.00937; 1000 Genomes Project 0.01418; 1000 Genomes Project 30x 0.01421.

Submission:

Illumina Laboratory Services, Illumina
Classification: Likely benign for Retinitis pigmentosa. Last evaluated: 2018-01-13. Review status: criteria provided, single submitter. Criteria: ICSL Variant Classification Criteria 13 December 2019. Collection method: clinical testing. Allele origin: germline.
Comment: This variant was observed in the ICSL laboratory as part of a predisposition screen in an ostensibly healthy population. It had not been previously curated by ICSL or reported in the Human Gene Mutation Database (HGMD: prior to June 1st, 2018), and was therefore a candidate for classification through an automated scoring system. Utilizing variant allele frequency, disease prevalence and penetrance estimates, and inheritance mode, an automated score was calculated to assess if this variant is too frequent to cause the disease. Based on the score and internal cut-off values, a variant classified as likely benign is not then subjected to further curation. The score for this variant resulted in a classification of likely benign for this disease.

NM_001297.5(CNGB1):c.*1462A>G

Gene: CNGB1 (cyclic nucleotide gated channel subunit beta 1; minus strand). Cytogenetic location: 16q21.
Variant type: single nucleotide variant.
Coding change: c.*1462A>G on transcript NM_001297.5 (MANE Select); 1462 bases downstream of the stop codon, A replaced by G.
Molecular consequence: 3 prime UTR variant.
Genome position (GRCh38, 1-based): chr16:57,882,702, T>C on the plus strand (A>G on the coding strand, the complement: CNGB1 is on the minus strand). VCF-style: chr16-57882702-T-C. GRCh37 (hg19) VCF-style: chr16-57916606-T-C.
Other names: c.*1462A>G (NM_001286130.2).
Identifiers: ClinVar variation 320022 (VCV000320022.5), dbSNP rs78908517, ClinGen allele CA10638123.